The following is an entry in ClinVar:

NM_001114753.3(ENG):c.182T>C (p.Ile61Thr)

Gene: ENG (endoglin; minus strand). Cytogenetic location: 9q34.11.
Variant type: single nucleotide variant.
Coding change: c.182T>C on transcript NM_001114753.3 (MANE Select); coding-DNA position 182, T replaced by C.
Protein change: p.Ile61Thr; replaces isoleucine 61 with threonine.
Molecular consequence: missense variant. On other transcripts: 5 prime UTR variant (1).
Genome position (GRCh38, 1-based): chr9:127,843,131, A>G on the plus strand (T>C on the coding strand, the complement: ENG is on the minus strand). VCF-style: chr9-127843131-A-G. GRCh37 (hg19) VCF-style: chr9-130605410-A-G.
Other names: c.182T>C, p.Ile61Thr (NM_000118.4, NM_001406715.1); c.-365T>C (NM_001278138.2); short protein forms I61T.
Identifiers: ClinVar variation 1711957 (VCV001711957.2), dbSNP rs2539107288, ClinGen allele CA374988978.
Genomic context (GRCh38, chr9:127,843,131, plus strand): 5'-CGACCCTGCCATGGGACACTCACCGTTGGGAACTCCAGGAAGAGGACATGGACTTCAAGG[A>G]TGGCATTGGGGGCCTGAGCCACGCAGCCCTTCGAGACCTGGCTAGTGGTATATGTCACCT-3'
Protein context (NP_001108225.1, residues 51-71): KGCVAQAPNA[Ile61Thr]LEVHVLFLEF

ClinVar aggregate classification (germline): Uncertain significance (1 of 4 stars; one submission).

Submission:

GeneDx
Classification: Uncertain significance. Last evaluated: 2018-05-07. Review status: criteria provided, single submitter. Criteria: GeneDx Variant Classification Process June 2021. Collection method: clinical testing. Allele origin: germline. Affected: yes.
Comment: Not observed at significant frequency in large population cohorts (gnomAD); In silico analysis supports that this missense variant does not alter protein structure/function; Has not been previously published as pathogenic or benign to our knowledge